The following is an entry in ClinVar:

ClinVar aggregate classification (germline): Uncertain significance. Review status: criteria provided, multiple submitters, no conflicts (2 of 4 stars). 3 submissions from 3 submitters: Uncertain significance (3). Last evaluated 2025-02-04.

Conditions:
Inborn genetic diseases. Identifiers: MedGen C0950123, MeSH D030342.

gnomAD v4.1: 10 of 1,601,414 alleles (0.00062%); highest among the groups gnomAD compares: African/African-American, 0.0094%; no homozygotes.

Submissions (3):

Ambry Genetics
Classification: Uncertain significance for Inborn genetic diseases. Last evaluated: 2025-02-04. Review status: criteria provided, single submitter. Criteria: Ambry Variant Classification Scheme 2023. Collection method: clinical testing. Allele origin: germline.

Labcorp Genetics (formerly Invitae), Labcorp
Classification: Uncertain significance. Last evaluated: 2025-01-30. Review status: criteria provided, single submitter. Criteria: Invitae Variant Classification Sherloc (09022015). Collection method: clinical testing. Allele origin: germline.
Comment: This sequence change replaces proline, which is neutral and non-polar, with serine, which is neutral and polar, at codon 1785 of the MYO7A protein (p.Pro1785Ser). The frequency data for this variant in the population databases is considered unreliable, as metrics indicate poor data quality at this position in the gnomAD database. This variant has not been reported in the literature in individuals affected with MYO7A-related conditions. ClinVar contains an entry for this variant (Variation ID: 1949493). Invitae Evidence Modeling of protein sequence and biophysical properties (such as structural, functional, and spatial information, amino acid conservation, physicochemical variation, residue mobility, and thermodynamic stability) indicates that this missense variant is expected to disrupt MYO7A protein function with a positive predictive value of 95%. In summary, the available evidence is currently insufficient to determine the role of this variant in disease. Therefore, it has been classified as a Variant of Uncertain Significance.

GeneDx
Classification: Uncertain significance. Last evaluated: 2023-05-15. Review status: criteria provided, single submitter. Criteria: GeneDx Variant Classification Process June 2021. Collection method: clinical testing. Allele origin: germline. Affected: yes.
Comment: In silico analysis supports that this missense variant has a deleterious effect on protein structure/function; Has not been previously published as pathogenic or benign to our knowledge

NM_000260.4(MYO7A):c.5353C>T (p.Pro1785Ser)

Gene: MYO7A (myosin VIIA; plus strand). Cytogenetic location: 11q13.5.
Variant type: single nucleotide variant.
Coding change: c.5353C>T on transcript NM_000260.4 (MANE Select); coding-DNA position 5353, C replaced by T.
Protein change: p.Pro1785Ser; replaces proline 1785 with serine.
Molecular consequence: missense variant.
Genome position (GRCh38, 1-based): chr11:77,204,102, C>T. VCF-style: chr11-77204102-C-T. GRCh37 (hg19) VCF-style: chr11-76915147-C-T.
Other names: c.5353C>T (NM_000260.3); c.5239C>T, p.Pro1747Ser (NM_001127180.2); c.5206C>T, p.Pro1736Ser (NM_001369365.1); short protein forms P1736S, P1747S, P1785S.
Identifiers: ClinVar variation 1949493 (VCV001949493.7), dbSNP rs985510524, ClinGen allele CA381952548.
Genomic context (GRCh38, chr11:77,204,102, plus strand): 5'-TATTCGGCACAAGCCCTTCCTTGACAGTCCCCAGCTGTGCTCAAGTACATGGGCGACTAC[C>T]CGTCCAAGAGGACACGCTCCGTCAACGAGCTCACCGACCAGATCTTTGAGGGTCCCCTGA-3'
Protein context (NP_000251.3, residues 1775-1795): IAVLKYMGDY[Pro1785Ser]SKRTRSVNEL